The following is an entry in ClinVar:

NM_015338.6(ASXL1):c.3730A>G (p.Lys1244Glu)

Gene: ASXL1 (ASXL transcriptional regulator 1; plus strand). Cytogenetic location: 20q11.21.
Variant type: single nucleotide variant.
Coding change: c.3730A>G on transcript NM_015338.6 (MANE Select); coding-DNA position 3730, A replaced by G.
Protein change: p.Lys1244Glu; replaces lysine 1244 with glutamic acid.
Molecular consequence: missense variant.
Genome position (GRCh38, 1-based): chr20:32,436,442, A>G. VCF-style: chr20-32436442-A-G. GRCh37 (hg19) VCF-style: chr20-31024245-A-G.
Other names: c.3547A>G, p.Lys1183Glu (NM_001363734.1); c.3730A>G (NM_015338.5); short protein forms K1183E, K1244E.
Identifiers: ClinVar variation 809244 (VCV000809244.43), dbSNP rs771995556, ClinGen allele CA9808887.

ClinVar aggregate classification (germline): Uncertain significance. Review status: criteria provided, multiple submitters, no conflicts (2 of 4 stars). 2 submissions from 2 submitters: Uncertain significance (2). Last evaluated 2025-02-15.

Conditions:
Inborn genetic diseases. Identifiers: MedGen C0950123, MeSH D030342.

Allele frequency attached by ClinVar (database versions not stated): gnomAD exomes below 0.00001; ExAC 0.00001.
gnomAD v4.1: 2 of 1,614,120 alleles (0.00012%); no homozygotes.

Submissions (2):

Ambry Genetics
Classification: Uncertain significance for Inborn genetic diseases. Last evaluated: 2025-02-15. Review status: criteria provided, single submitter. Criteria: Ambry Variant Classification Scheme 2023. Collection method: clinical testing. Allele origin: germline.
Comment: The p.K1244E variant (also known as c.3730A>G), located in coding exon 13 of the ASXL1 gene, results from an A to G substitution at nucleotide position 3730. The lysine at codon 1244 is replaced by glutamic acid, an amino acid with similar properties. This amino acid position is conserved. In addition, this alteration is predicted to be tolerated by in silico analysis. Based on the available evidence, the clinical significance of this variant remains unclear.

CeGaT Center for Human Genetics Tuebingen
Classification: Uncertain significance. Last evaluated: 2019-05-01. Review status: criteria provided, single submitter. Criteria: CeGaT Center For Human Genetics Tuebingen Variant Classification Criteria Version 2. Collection method: clinical testing. Allele origin: germline. Affected: yes. Observed: 1 variant allele.